The following is an entry in ClinVar:

ClinVar aggregate classification (germline): Uncertain significance. Review status: criteria provided, multiple submitters, no conflicts (2 of 4 stars). 2 submissions from 2 submitters: Uncertain significance (2). Last evaluated 2025-10-05.

Conditions:
Brachyolmia-amelogenesis imperfecta syndrome. Also called: PLATYSPONDYLY WITH AMELOGENESIS IMPERFECTA; Tooth agenesis, selective, 6; Dental anomalies and short stature. Identifiers: Orphanet 2899, MedGen C1832594, MONDO:0011018, OMIM 601216. Disease mechanism: loss of function.
Inborn genetic diseases. Identifiers: MedGen C0950123, MeSH D030342.

Allele frequency attached by ClinVar (database versions not stated): TOPMed 0.00003; gnomAD 0.00004 and 0.00005; gnomAD exomes 0.00004 and 0.00007; ExAC 0.00008; 1000 Genomes Project 0.00020; 1000 Genomes Project 30x 0.00031.

Submissions (2):

Labcorp Genetics (formerly Invitae), Labcorp
Classification: Uncertain significance for Brachyolmia-amelogenesis imperfecta syndrome. Last evaluated: 2025-10-05. Review status: criteria provided, single submitter. Criteria: Invitae Variant Classification Sherloc (09022015). Collection method: clinical testing. Allele origin: germline.
Comment: This sequence change replaces methionine, which is neutral and non-polar, with isoleucine, which is neutral and non-polar, at codon 1081 of the LTBP3 protein (p.Met1081Ile). This variant is present in population databases (rs200968742, gnomAD 0.09%). This variant has not been reported in the literature in individuals affected with LTBP3-related conditions. ClinVar contains an entry for this variant (Variation ID: 1487704). An algorithm developed to predict the effect of missense changes on protein structure and function (PolyPhen-2) suggests that this variant is likely to be tolerated. In summary, the available evidence is currently insufficient to determine the role of this variant in disease. Therefore, it has been classified as a Variant of Uncertain Significance.

Ambry Genetics
Classification: Uncertain significance for Inborn genetic diseases. Last evaluated: 2025-07-31. Review status: criteria provided, single submitter. Criteria: Ambry Variant Classification Scheme 2023. Collection method: clinical testing. Allele origin: germline.

NM_001130144.3(LTBP3):c.3243G>A (p.Met1081Ile)

Genes: LTBP3 (latent transforming growth factor beta binding protein 3; minus strand), LOC121832793 (Sharpr-MPRA regulatory region 4001; plus strand). Cytogenetic location: 11q13.1.
Variant type: single nucleotide variant.
Coding change: c.3243G>A on transcript NM_001130144.3 (MANE Select); coding-DNA position 3243, G replaced by A.
Protein change: p.Met1081Ile; replaces methionine 1081 with isoleucine.
Molecular consequence: missense variant.
Genome position (GRCh38, 1-based): chr11:65,540,246, C>T on the plus strand (G>A on the coding strand, the complement: LTBP3 is on the minus strand). VCF-style: chr11-65540246-C-T. GRCh37 (hg19) VCF-style: chr11-65307717-C-T.
Other names: c.2892G>A, p.Met964Ile (NM_001164266.1); c.3243G>A, p.Met1081Ile (NM_021070.4); short protein forms M1081I, M964I.
Identifiers: ClinVar variation 1487704 (VCV001487704.11), dbSNP rs200968742, ClinGen allele CA6100308.